The following is an entry in ClinVar:

NM_001267550.2(TTN):c.39504G>T (p.Val13168=)

Gene: TTN (titin; minus strand). Cytogenetic location: 2q31.2.
Variant type: single nucleotide variant.
Coding change: c.39504G>T on transcript NM_001267550.2 (MANE Select); coding-DNA position 39504, G replaced by T.
Protein change: p.Val13168=; no amino-acid change (valine 13168 retained).
Molecular consequence: synonymous variant. On other transcripts: intron variant (3).
Genome position (GRCh38, 1-based): chr2:178,651,496, C>A on the plus strand (G>T on the coding strand, the complement: TTN is on the minus strand). VCF-style: chr2-178651496-C-A. GRCh37 (hg19) VCF-style: chr2-179516223-C-A.
Other names: c.32202G>T, p.Val10734= (NM_133378.4); c.34983G>T, p.Val11661= (NM_001256850.1); c.13283-9179G>T (NM_003319.4); c.13859-9179G>T (NM_133437.4); c.13658-9179G>T (NM_133432.3).
Identifiers: ClinVar variation 46927 (VCV000046927.16), dbSNP rs397517558, ClinGen allele CA139543.

ClinVar aggregate classification (germline): Likely benign. Review status: criteria provided, multiple submitters, no conflicts (2 of 4 stars). 2 submissions from 2 submitters: Likely benign (2). Last evaluated 2025-02-12.

Conditions:
Dilated cardiomyopathy 1G (CMD1G). Identifiers: Orphanet 154, MedGen C1858763, MONDO:0011400, OMIM 604145.
Autosomal recessive limb-girdle muscular dystrophy type 2J (LGMDR10). Also called: Limb-girdle muscular dystrophy, type 2J; MUSCULAR DYSTROPHY, LIMB-GIRDLE, AUTOSOMAL RECESSIVE 10. Identifiers: Orphanet 140922, MedGen C1837342, MONDO:0012127, OMIM 608807.

Allele frequency attached by ClinVar (database versions not stated): TOPMed 0.00001; gnomAD 0.00002.
gnomAD v4.1: 13 of 1,612,820 alleles (0.00081%); highest among the groups gnomAD compares: Non-Finnish European, 0.0011%; no homozygotes.

Submissions (2):

Labcorp Genetics (formerly Invitae), Labcorp
Classification: Likely benign for Dilated cardiomyopathy 1G; Autosomal recessive limb-girdle muscular dystrophy type 2J. Last evaluated: 2025-02-12. Review status: criteria provided, single submitter. Criteria: Invitae Variant Classification Sherloc (09022015). Collection method: clinical testing. Allele origin: germline.

Laboratory for Molecular Medicine, Mass General Brigham Personalized Medicine
Classification: Likely benign. Last evaluated: 2012-11-21. Review status: criteria provided, single submitter. Criteria: LMM Criteria. Collection method: clinical testing. Allele origin: germline. Observed: 1 variant allele.
Comment: Val10734Val in exon 161 of TTN: This variant is not expected to have clinical si gnificance because it does not alter an amino acid residue and is not located wi thin the splice consensus sequence. Val1073Val in exon 161 of TTN (allele frequ ency = n/a)